The following is an entry in ClinVar:

ClinVar aggregate classification (germline): Likely pathogenic (1 of 4 stars; one submission).

Conditions:
Autosomal recessive limb-girdle muscular dystrophy type 2J (LGMDR10). Also called: Limb-girdle muscular dystrophy, type 2J; MUSCULAR DYSTROPHY, LIMB-GIRDLE, AUTOSOMAL RECESSIVE 10. Identifiers: Orphanet 140922, MedGen C1837342, MONDO:0012127, OMIM 608807.
Dilated cardiomyopathy 1G (CMD1G). Identifiers: Orphanet 154, MedGen C1858763, MONDO:0011400, OMIM 604145.

Submission:

Labcorp Genetics (formerly Invitae), Labcorp
Classification: Likely pathogenic for Dilated cardiomyopathy 1G; Autosomal recessive limb-girdle muscular dystrophy type 2J. Last evaluated: 2025-10-19. Review status: criteria provided, single submitter. Criteria: Invitae Variant Classification Sherloc (09022015). Collection method: clinical testing. Allele origin: germline.
Comment: This sequence change creates a premature translational stop signal (p.Asn20736Thrfs*20) in the TTN gene. While this is not anticipated to result in nonsense mediated decay, it is expected to create a truncated TTN protein. This variant is not present in population databases (gnomAD no frequency). This variant has not been reported in the literature in individuals affected with TTN-related conditions. This variant is located in the A band of TTN (PMID: 25589632). Truncating variants in this region are significantly overrepresented in patients affected with dilated cardiomyopathy (PMID: 25589632). Truncating variants in this region have also been reported in individuals affected with autosomal recessive centronuclear myopathy (PMID: 23975875). In summary, the currently available evidence indicates that the variant is pathogenic, but additional data are needed to prove that conclusively. Therefore, this variant has been classified as Likely Pathogenic.

Literature cited by the submitters: PubMed 25589632; PubMed 23975875.

NM_001267550.2(TTN):c.62207del (p.Asn20736fs)

Genes: TTN-AS1 (TTN antisense RNA 1; plus strand), TTN (titin; minus strand). Cytogenetic location: 2q31.2.
Variant type: Deletion.
Coding change: c.62207del on transcript NM_001267550.2 (MANE Select); coding-DNA position 62207, one base deleted (A; older notation c.62207delA).
Protein change: p.Asn20736fs; shifts the reading frame from asparagine 20736.
Molecular consequence: frameshift variant.
Genome position (GRCh38, 1-based): chr2:178,589,518, T deleted on the plus strand (A on the coding strand, the reverse complement: TTN is on the minus strand); the first of 4 consecutive T bases (chr2:178,589,518-178,589,521); deleting any one gives the same sequence. VCF-style (leftmost placement, unchanged base first): chr2-178589517-GT-G. GRCh37 (hg19) VCF-style: chr2-179454244-GT-G.
Other names: c.57284del, p.Asn19095fs (NM_001256850.1); c.35012del, p.Asn11671fs (NM_003319.4); c.54503del, p.Asn18168fs (NM_133378.4); c.35387del, p.Asn11796fs (NM_133432.3); c.35588del, p.Asn11863fs (NM_133437.4); short protein forms N11671fs, N11796fs, N11863fs, N18168fs, N19095fs, N20736fs.
Identifiers: ClinVar variation 4786472 (VCV004786472.1).